The following is an entry in ClinVar:

NM_001001557.4(GDF6):c.*577A>T

Gene: GDF6 (growth differentiation factor 6; minus strand). Cytogenetic location: 8q22.1.
Variant type: single nucleotide variant.
Coding change: c.*577A>T on transcript NM_001001557.4 (MANE Select); 577 bases downstream of the stop codon, A replaced by T.
Molecular consequence: 3 prime UTR variant.
Genome position (GRCh38, 1-based): chr8:96,143,986, T>A on the plus strand (A>T on the coding strand, the complement: GDF6 is on the minus strand). VCF-style: chr8-96143986-T-A. GRCh37 (hg19) VCF-style: chr8-97156214-T-A.
Identifiers: ClinVar variation 364022 (VCV000364022.6), dbSNP rs75587676, ClinGen allele CA10625959.
Genomic context (GRCh38, chr8:96,143,986, plus strand): 5'-CTCTCTCAAAGCTCTTCTATAGGCAGGACCATTCCTGACTTAACTATTCTTTTTGCCAAT[T>A]TCCCTATCTAACACTTTCTGTGTGGGAGGGCACAAGACATGGGCTATGACATGGCCAGAG-3'

ClinVar aggregate classification (germline): Benign. Review status: criteria provided, multiple submitters, no conflicts (2 of 4 stars). 2 submissions from 2 submitters: Benign (2). Last evaluated 2018-01-13.

Conditions:
Klippel-Feil syndrome 1, autosomal dominant (KFS1). Also called: CERVICAL VERTEBRAL FUSION, AUTOSOMAL DOMINANT. Identifiers: Orphanet 2345, MedGen C1861689, MONDO:0007306, OMIM 118100.

Allele frequency attached by ClinVar (database versions not stated): gnomAD 0.01881 and 0.02007; gnomAD exomes 0.01999; TOPMed 0.02048; 1000 Genomes Project 0.02356; 1000 Genomes Project 30x 0.02436.
gnomAD v4.1: 3,261 of 160,238 alleles (2%); highest among the groups gnomAD compares: Middle Eastern, 8.3%; 60 homozygotes.

Submissions (2):

Illumina Laboratory Services, Illumina
Classification: Benign for Klippel-Feil syndrome 1, autosomal dominant. Last evaluated: 2018-01-13. Review status: criteria provided, single submitter. Criteria: ICSL Variant Classification Criteria 13 December 2019. Collection method: clinical testing. Allele origin: germline.
Comment: This variant was observed in the ICSL laboratory as part of a predisposition screen in an ostensibly healthy population. It had not been previously curated by ICSL or reported in the Human Gene Mutation Database (HGMD: prior to June 1st, 2018), and was therefore a candidate for classification through an automated scoring system. Utilizing variant allele frequency, disease prevalence and penetrance estimates, and inheritance mode, an automated score was calculated to assess if this variant is too frequent to cause the disease. Based on the score and internal cut-off values, a variant classified as benign is not then subjected to further curation. The score for this variant resulted in a classification of benign for this disease.

Breakthrough Genomics
Classification: Benign. Review status: criteria provided, single submitter. Criteria: ACMG Guidelines, 2015. Collection method: not provided. Allele origin: germline. Inheritance: Autosomal recessive inheritance. Affected: yes.